The following is an entry in ClinVar:

ClinVar aggregate classification (germline): Likely benign. Review status: criteria provided, multiple submitters, no conflicts (2 of 4 stars). 6 submissions from 6 submitters: Likely benign (4). 2 of the submissions do not count toward it. Last evaluated 2025-04-24.

Conditions:
Heterotopia, periventricular, X-linked dominant (PVNH1). Also called: X-linked periventricular heterotopia; PERIVENTRICULAR NODULAR HETEROTOPIA 1; PERIVENTRICULAR NODULAR HETEROTOPIA 4; HETEROTOPIA, PERIVENTRICULAR, 1. Identifiers: Orphanet 2149, Orphanet 82004, MedGen C1848213, MONDO:0010233, OMIM 300049.
Melnick-Needles syndrome (MNS). Also called: Melnick-Needles Syndrome (FLNA-MNS); MELNICK-NEEDLES OSTEODYSPLASTY; OSTEODYSPLASTY OF MELNICK AND NEEDLES. Identifiers: Orphanet 2484, MedGen C0025237, MONDO:0010650, OMIM 309350.
Frontometaphyseal dysplasia (FMD1). Identifiers: Orphanet 1826, MedGen C0265293, MONDO:0015942.
Oto-palato-digital syndrome, type II (OPD2). Also called: Otopalatodigital Syndrome, Type II; Otopalatodigital Syndrome Type 2 (FLNA-OPD2); FACIOPALATOOSSEOUS SYNDROME; OPD II SYNDROME. Identifiers: Orphanet 669, Orphanet 90652, MedGen C1844696, MONDO:0010571, OMIM 304120.
Familial thoracic aortic aneurysm and aortic dissection (TAAD). Also called: Thoracic aortic aneurysms and dissections. Identifiers: Orphanet 91387, MedGen C4707243, MONDO:0019625.

Allele frequency attached by ClinVar (database versions not stated): TOPMed below 0.00001; gnomAD 0.00001 and 0.00002; gnomAD exomes 0.00002; 1000 Genomes Project 30x 0.00021; 1000 Genomes Project 0.00026.
gnomAD v4.1: 25 of 1,210,133 alleles (0.0021%); highest among the groups gnomAD compares: Middle Eastern, 0.023%; no homozygotes.

Submissions (6):

Labcorp Genetics (formerly Invitae), Labcorp
Classification: Likely benign for Oto-palato-digital syndrome, type II; Heterotopia, periventricular, X-linked dominant; Frontometaphyseal dysplasia; Melnick-Needles syndrome. Last evaluated: 2025-04-24. Review status: criteria provided, single submitter. Criteria: Invitae Variant Classification Sherloc (09022015). Collection method: clinical testing. Allele origin: germline.

CeGaT Center for Human Genetics Tuebingen
Classification: Likely benign. Last evaluated: 2024-12-01. Review status: criteria provided, single submitter. Criteria: CeGaT Center For Human Genetics Tuebingen Variant Classification Criteria Version 2. Collection method: clinical testing. Allele origin: germline. Affected: yes. Observed: 1 variant allele.
Comment: FLNA: BP4, BP7, BS2

GeneDx
Classification: Likely benign. Last evaluated: 2018-03-30. Review status: criteria provided, single submitter. Criteria: GeneDx Variant Classification (06012015). Collection method: clinical testing. Allele origin: germline. Affected: yes.
Comment: This variant is considered likely benign or benign based on one or more of the following criteria: it is a conservative change, it occurs at a poorly conserved position in the protein, it is predicted to be benign by multiple in silico algorithms, and/or has population frequency not consistent with disease.

Ambry Genetics
Classification: Likely benign for Familial thoracic aortic aneurysm and aortic dissection. Last evaluated: 2017-06-29. Review status: criteria provided, single submitter. Criteria: Ambry Variant Classification Scheme 2023. Collection method: clinical testing. Allele origin: germline.

Clinical Genetics DNA and cytogenetics Diagnostics Lab, Erasmus MC, Erasmus Medical Center
Classification: Likely benign. Review status: no assertion criteria provided. Collection method: clinical testing. Allele origin: germline. Affected: yes. Study: VKGL Data-share Consensus. Not counted in ClinVar's aggregate classification.

Genome Diagnostics Laboratory, University Medical Center Utrecht
Classification: Likely benign. Review status: no assertion criteria provided. Collection method: clinical testing. Allele origin: germline. Affected: yes. Study: VKGL Data-share Consensus. Not counted in ClinVar's aggregate classification.

NM_001110556.2(FLNA):c.696G>A (p.Ala232=)

Gene: FLNA (filamin A; minus strand). Cytogenetic location: Xq28.
Variant type: single nucleotide variant.
Coding change: c.696G>A on transcript NM_001110556.2 (MANE Select); coding-DNA position 696, G replaced by A.
Protein change: p.Ala232=; no amino-acid change (alanine 232 retained).
Molecular consequence: synonymous variant.
Genome position (GRCh38, 1-based): chrX:154,367,665, C>T on the plus strand (G>A on the coding strand, the complement: FLNA is on the minus strand). VCF-style: chrX-154367665-C-T. GRCh37 (hg19) VCF-style: chrX-153596033-C-T.
Other names: c.696G>A, p.Ala232= (NM_001456.4).
Identifiers: ClinVar variation 681383 (VCV000681383.27), dbSNP rs781907486, ClinGen allele CA337284233.